The following is an entry in ClinVar:

ClinVar aggregate classification (germline): Uncertain significance (1 of 4 stars; one submission).

gnomAD v4.1: 17 of 1,614,078 alleles (0.0011%); highest among the groups gnomAD compares: African/African-American, 0.0053%; no homozygotes.

Submission:

Labcorp Genetics (formerly Invitae), Labcorp
Classification: Uncertain significance. Last evaluated: 2022-08-19. Review status: criteria provided, single submitter. Criteria: Invitae Variant Classification Sherloc (09022015). Collection method: clinical testing. Allele origin: germline.
Comment: This sequence change replaces alanine, which is neutral and non-polar, with serine, which is neutral and polar, at codon 518 of the MCPH1 protein (p.Ala518Ser). This variant is present in population databases (no rsID available, gnomAD 0.01%). This variant has not been reported in the literature in individuals affected with MCPH1-related conditions. Algorithms developed to predict the effect of missense changes on protein structure and function output the following: SIFT: "Not Available"; PolyPhen-2: "Benign"; Align-GVGD: "Not Available". The serine amino acid residue is found in multiple mammalian species, which suggests that this missense change does not adversely affect protein function. In summary, the available evidence is currently insufficient to determine the role of this variant in disease. Therefore, it has been classified as a Variant of Uncertain Significance.

NM_024596.5(MCPH1):c.1552G>T (p.Ala518Ser)

Gene: MCPH1 (microcephalin 1; plus strand). Cytogenetic location: 8p23.1.
Variant type: single nucleotide variant.
Coding change: c.1552G>T on transcript NM_024596.5 (MANE Select); coding-DNA position 1552, G replaced by T.
Protein change: p.Ala518Ser; replaces alanine 518 with serine.
Molecular consequence: missense variant. On other transcripts: non-coding transcript variant (1).
Genome position (GRCh38, 1-based): chr8:6,445,274, G>T. VCF-style: chr8-6445274-G-T. GRCh37 (hg19) VCF-style: chr8-6302795-G-T.
Other names: c.1552G>T, p.Ala518Ser (NM_001172574.2, NM_001322042.2, NM_001363979.1 and 3 more transcripts); c.1408G>T, p.Ala470Ser (NM_001172575.2); c.1546G>T, p.Ala516Ser (NM_001322043.2); c.1450G>T, p.Ala484Ser (NM_001322045.2); short protein forms A484S, A518S, A470S, A516S.
Identifiers: ClinVar variation 1942046 (VCV001942046.2), dbSNP rs748320867, ClinGen allele CA370221872.